The following is an entry in ClinVar:

NM_152594.3(SPRED1):c.415G>A (p.Asp139Asn)

Gene: SPRED1 (sprouty related EVH1 domain containing 1; plus strand). Cytogenetic location: 15q14.
Variant type: single nucleotide variant.
Coding change: c.415G>A on transcript NM_152594.3 (MANE Select); coding-DNA position 415, G replaced by A.
Protein change: p.Asp139Asn; replaces aspartic acid 139 with asparagine.
Molecular consequence: missense variant.
Genome position (GRCh38, 1-based): chr15:38,324,801, G>A. VCF-style: chr15-38324801-G-A. GRCh37 (hg19) VCF-style: chr15-38617002-G-A.
Other names: short protein forms D139N.
Identifiers: ClinVar variation 4865013 (VCV004865013.1).
Genomic context (GRCh38, chr15:38,324,801, plus strand): 5'-TAACTTTTATCTATTTTCTTAGGATGCCCCGAATCAAAAAATGAAGCTGAAGGGGCAGAT[G>A]ACTTACAAGTAAGTAATGGCTTGGAAGGAATTTGTAAACATAAAGGATGTGGAAGAAATC-3'
Protein context (NP_689807.1, residues 129-149): ESKNEAEGAD[Asp139Asn]LQANEEDSSS

ClinVar aggregate classification (germline): Uncertain significance (1 of 4 stars; one submission).

Conditions:
Cardiovascular phenotype. Identifiers: MedGen CN230736.

gnomAD v4.1: 1 of 1,611,948 alleles (0.000062%); highest among the groups gnomAD compares: Non-Finnish European, 0.000085%; no homozygotes.

Submission:

Ambry Genetics
Classification: Uncertain significance for Cardiovascular phenotype. Last evaluated: 2026-03-31. Review status: criteria provided, single submitter. Criteria: Ambry Variant Classification Scheme 2023. Collection method: clinical testing. Allele origin: germline.
Comment: The p.D139N variant (also known as c.415G>A), located in coding exon 4 of the SPRED1 gene, results from a G to A substitution at nucleotide position 415. The aspartic acid at codon 139 is replaced by asparagine, an amino acid with highly similar properties. This amino acid position is conserved. In addition, this alteration is predicted to be tolerated by in silico analysis. Based on the available evidence, the clinical significance of this variant remains unclear.